The following is an entry in ClinVar:

NM_000821.7(GGCX):c.*3067T>C

Gene: GGCX (gamma-glutamyl carboxylase; minus strand). Cytogenetic location: 2p11.2.
Variant type: single nucleotide variant.
Coding change: c.*3067T>C on transcript NM_000821.7 (MANE Select); 3067 bases downstream of the stop codon, T replaced by C.
Molecular consequence: 3 prime UTR variant.
Genome position (GRCh38, 1-based): chr2:85,546,867, A>G on the plus strand (T>C on the coding strand, the complement: GGCX is on the minus strand). VCF-style: chr2-85546867-A-G. GRCh37 (hg19) VCF-style: chr2-85773990-A-G.
Other names: c.*3067T>C (NM_001142269.4).
Identifiers: ClinVar variation 896289 (VCV000896289.4), dbSNP rs139304933, ClinGen allele CA51729952.

ClinVar aggregate classification (germline): Likely benign (1 of 4 stars; one submission).

Conditions:
Vitamin K-dependent clotting factors, combined deficiency of, type 1. Also called: FACTORS II, VII, IX, AND X, COMBINED DEFICIENCY OF; FAMILIAL MULTIPLE COAGULATION FACTOR DEFICIENCY III; FMFD III; GLUTAMIC ACID, DEFICIENT GAMMA-CARBOXYLATION OF; MULTIPLE COAGULATION FACTOR DEFICIENCY III; VITAMIN K-DEPENDENT COAGULATION DEFECT. Identifiers: Orphanet 98434, MedGen C1848534, MONDO:0010187, OMIM 277450.

Allele frequency attached by ClinVar (database versions not stated): 1000 Genomes Project 30x 0.00047; 1000 Genomes Project 0.00060; gnomAD 0.00083 and 0.00090; TOPMed 0.00101.

Submission:

Illumina Laboratory Services, Illumina
Classification: Likely benign for Vitamin K-dependent clotting factors, combined deficiency of, type 1. Last evaluated: 2018-01-13. Review status: criteria provided, single submitter. Criteria: ICSL Variant Classification Criteria 13 December 2019. Collection method: clinical testing. Allele origin: germline.
Comment: This variant was observed in the ICSL laboratory as part of a predisposition screen in an ostensibly healthy population. It had not been previously curated by ICSL or reported in the Human Gene Mutation Database (HGMD: prior to June 1st, 2018), and was therefore a candidate for classification through an automated scoring system. Utilizing variant allele frequency, disease prevalence and penetrance estimates, and inheritance mode, an automated score was calculated to assess if this variant is too frequent to cause the disease. Based on the score and internal cut-off values, a variant classified as likely benign is not then subjected to further curation. The score for this variant resulted in a classification of likely benign for this disease.